The following is an entry in ClinVar:

ClinVar aggregate classification (germline): Conflicting classifications of pathogenicity. Review status: criteria provided, conflicting classifications (1 of 4 stars). 3 submissions from 3 submitters: Uncertain significance (2); Likely benign (1). Last evaluated 2025-03-17.

Conditions:
Inborn genetic diseases. Identifiers: MedGen C0950123, MeSH D030342.
ADNP-related multiple congenital anomalies - intellectual disability - autism spectrum disorder. Also called: Helsmoortel-Van der Aa Syndrome; ADNP-Related Helsmoortel-Van der Aa Syndrome. Identifiers: Orphanet 404448, MedGen C4014538, MONDO:0014379, OMIM 615873. Disease mechanism: loss of function.

Allele frequency attached by ClinVar (database versions not stated): ExAC 0.00003; gnomAD 0.00005; gnomAD exomes 0.00005; TOPMed 0.00005; ESP Exome Variant Server 0.00008.
gnomAD v4.1: 86 of 1,609,830 alleles (0.0053%); highest among the groups gnomAD compares: Non-Finnish European, 0.0065%; no homozygotes.

Submissions (3):

Labcorp Genetics (formerly Invitae), Labcorp
Classification: Uncertain significance. Last evaluated: 2025-03-17. Review status: criteria provided, single submitter. Criteria: Invitae Variant Classification Sherloc (09022015). Collection method: clinical testing. Allele origin: germline.
Comment: This sequence change replaces isoleucine, which is neutral and non-polar, with valine, which is neutral and non-polar, at codon 35 of the ADNP protein (p.Ile35Val). This variant is present in population databases (rs372633654, gnomAD 0.007%). This variant has not been reported in the literature in individuals affected with ADNP-related conditions. ClinVar contains an entry for this variant (Variation ID: 2062781). An algorithm developed to predict the effect of missense changes on protein structure and function (PolyPhen-2) suggests that this variant is likely to be tolerated. In summary, the available evidence is currently insufficient to determine the role of this variant in disease. Therefore, it has been classified as a Variant of Uncertain Significance.

Ambry Genetics
Classification: Likely benign for Inborn genetic diseases. Last evaluated: 2023-08-08. Review status: criteria provided, single submitter. Criteria: Ambry Variant Classification Scheme 2023. Collection method: clinical testing. Allele origin: germline.

Pittsburgh Clinical Genomics Laboratory, University of Pittsburgh Medical Center
Classification: Uncertain significance for ADNP-related multiple congenital anomalies - intellectual disability - autism spectrum disorder. Last evaluated: 2022-10-27. Review status: criteria provided, single submitter. Criteria: ACMG Guidelines, 2015. Collection method: clinical testing. Allele origin: germline. Inheritance: Autosomal dominant inheritance. Affected: yes.
Comment: This sequence variant is a single nucleotide substitution (A>G) at coding position 103 of the ADNP gene that results in an isoleucine to valine amino acid change at residue 35 of the ADNP protein. This variant has not been previously reported to databases of clinically relevant variants (ClinVar) or observed in the literature in individuals with ADNP-related disease, to our knowledge. This variant is present in the gnomAD population database (6 of 281118 alleles or 0.002%). Bioinformatic tools predict that this variant would be tolerated; however, the Ile35 residue is highly conserved across the mammalian species examined. Functiol studies testing the effect of this variant on protein structure or activity have not been performed, to our knowledge. At this time, there is insufficient evidence to determine if this variant is pathogenic or benign. Therefore, we consider this to be a variant of uncertain significance. ACMG Criteria: BP1, BP4, PM2, PP1

NM_001282531.3(ADNP):c.103A>G (p.Ile35Val)

Gene: ADNP (activity dependent neuroprotector homeobox; minus strand). Cytogenetic location: 20q13.13.
Variant type: single nucleotide variant.
Coding change: c.103A>G on transcript NM_001282531.3 (MANE Select); coding-DNA position 103, A replaced by G.
Protein change: p.Ile35Val; replaces isoleucine 35 with valine.
Molecular consequence: missense variant.
Genome position (GRCh38, 1-based): chr20:50,903,894, T>C on the plus strand (A>G on the coding strand, the complement: ADNP is on the minus strand). VCF-style: chr20-50903894-T-C. GRCh37 (hg19) VCF-style: chr20-49520431-T-C.
Other names: c.103A>G (NM_015339.2, NM_001282532.1); c.103A>G, p.Ile35Val (NM_001282532.2, NM_001347511.2, NM_015339.5 and 1 more transcripts); short protein forms I35V.
Identifiers: ClinVar variation 2062781 (VCV002062781.7), dbSNP rs372633654, ClinGen allele CA9908960.